The following is an entry in ClinVar:

ClinVar aggregate classification (germline): Uncertain significance (1 of 4 stars; one submission).

gnomAD v4.1: 3 of 1,537,136 alleles (0.0002%); highest among the groups gnomAD compares: Non-Finnish European, 0.00026%; no homozygotes.

Submission:

Ambry Genetics
Classification: Uncertain significance. Last evaluated: 2026-07-30. Review status: criteria provided, single submitter. Criteria: Ambry Variant Classification Scheme 2023. Collection method: clinical testing. Allele origin: germline.
Comment: The p.Q643* variant (also known as c.1927C>T), located in coding exon 11 of the PALLD gene, results from a C to T substitution at nucleotide position 1927. This changes the amino acid from a glutamine to a stop codon within coding exon 11. The evidence for this gene-disease relationship is limited; therefore, the clinical significance of this variant is unclear.

NM_001166108.2(PALLD):c.*113C>T

Genes: CBR4 (carbonyl reductase 4; minus strand), PALLD (palladin, cytoskeletal associated protein; plus strand). Cytogenetic location: 4q32.3.
Variant type: single nucleotide variant.
Coding change: c.*113C>T on transcript NM_001166108.2 (MANE Select); 113 bases downstream of the stop codon, C replaced by T.
Molecular consequence: 3 prime UTR variant. On other transcripts: nonsense (4).
Genome position (GRCh38, 1-based): chr4:168,926,293, C>T. VCF-style: chr4-168926293-C-T. GRCh37 (hg19) VCF-style: chr4-169847444-C-T.
Other names: c.2242C>T, p.Gln748Ter (NM_001166109.2); c.1927C>T, p.Gln643Ter (NM_001166110.2); c.*113C>T (NM_001367567.1, NM_001367570.1, NM_016081.4); c.1318C>T, p.Gln440Ter (NM_001367568.1); c.1267C>T, p.Gln423Ter (NM_001367569.1); short protein forms Q423*, Q748*, Q643*, Q440*.
Identifiers: ClinVar variation 3927501 (VCV003927501.2).